The following is an entry in ClinVar:

NM_004260.4(RECQL4):c.1007C>G (p.Thr336Arg)

Gene: RECQL4 (RecQ like helicase 4; minus strand). Cytogenetic location: 8q24.3.
Variant type: single nucleotide variant.
Coding change: c.1007C>G on transcript NM_004260.4 (MANE Select); coding-DNA position 1007, C replaced by G.
Protein change: p.Thr336Arg; replaces threonine 336 with arginine.
Molecular consequence: missense variant. On other transcripts: 5 prime UTR variant (16), non-coding transcript variant (3), intron variant (3).
Genome position (GRCh38, 1-based): chr8:144,516,112, G>C on the plus strand (C>G on the coding strand, the complement: RECQL4 is on the minus strand). VCF-style: chr8-144516112-G-C. GRCh37 (hg19) VCF-style: chr8-145741496-G-C.
Other names: c.1007C>G, p.Thr336Arg (NM_001413018.1, NM_001413019.1, NM_001413033.1 and 2 more transcripts); c.-65C>G (NM_001413021.1, NM_001413022.1, NM_001413023.1 and 7 more transcripts); c.878C>G, p.Thr293Arg (NM_001413025.1); c.-127C>G (NM_001413027.1, NM_001413030.1, NM_001413031.1 and 2 more transcripts); c.656C>G, p.Thr219Arg (NM_001413029.1); c.-334C>G (NM_001413043.1); c.954-43C>G (NM_001413017.1, NM_001413020.1); c.-22-43C>G (NM_001413034.1); short protein forms T293R, T219R, T336R.
Identifiers: ClinVar variation 3787935 (VCV003787935.1).

ClinVar aggregate classification (germline): Uncertain significance (1 of 4 stars; one submission).

Conditions:
Inborn genetic diseases. Identifiers: MedGen C0950123, MeSH D030342.

Submission:

Ambry Genetics
Classification: Uncertain significance for Inborn genetic diseases. Last evaluated: 2024-12-12. Review status: criteria provided, single submitter. Criteria: Ambry Variant Classification Scheme 2023. Collection method: clinical testing. Allele origin: germline.
Comment: The p.T336R variant (also known as c.1007C>G), located in coding exon 5 of the RECQL4 gene, results from a C to G substitution at nucleotide position 1007. The threonine at codon 336 is replaced by arginine, an amino acid with similar properties. This amino acid position is conserved. In addition, this alteration is predicted to be tolerated by in silico analysis. Based on the available evidence, the clinical significance of this variant remains unclear.